The following is an entry in ClinVar:

NM_001046.3(SLC12A2):c.177G>T (p.Glu59Asp)

Genes: SLC12A2 (solute carrier family 12 member 2; plus strand), LOC129994526 (ATAC-STARR-seq lymphoblastoid silent region 16295; plus strand). Cytogenetic location: 5q23.3.
Variant type: single nucleotide variant.
Coding change: c.177G>T on transcript NM_001046.3 (MANE Select); coding-DNA position 177, G replaced by T.
Protein change: p.Glu59Asp; replaces glutamic acid 59 with aspartic acid.
Molecular consequence: missense variant. On other transcripts: non-coding transcript variant (1).
Genome position (GRCh38, 1-based): chr5:128,084,131, G>T. VCF-style: chr5-128084131-G-T. GRCh37 (hg19) VCF-style: chr5-127419823-G-T.
Other names: c.177G>T, p.Glu59Asp (NM_001256461.2); c.177G>T (NM_001046.2); short protein forms E59D.
Identifiers: ClinVar variation 2047051 (VCV002047051.5), dbSNP rs1214037505, ClinGen allele CA360735962.

ClinVar aggregate classification (germline): Uncertain significance. Review status: criteria provided, multiple submitters, no conflicts (2 of 4 stars). 2 submissions from 2 submitters: Uncertain significance (2). Last evaluated 2025-07-15.

Conditions:
Inborn genetic diseases. Identifiers: MedGen C0950123, MeSH D030342.

Submissions (2):

Ambry Genetics
Classification: Uncertain significance for Inborn genetic diseases. Last evaluated: 2025-07-15. Review status: criteria provided, single submitter. Criteria: Ambry Variant Classification Scheme 2023. Collection method: clinical testing. Allele origin: germline.

Labcorp Genetics (formerly Invitae), Labcorp
Classification: Uncertain significance. Last evaluated: 2023-06-10. Review status: criteria provided, single submitter. Criteria: Invitae Variant Classification Sherloc (09022015). Collection method: clinical testing. Allele origin: germline.
Comment: This missense change has been observed in individual(s) with clinical features of neurodevelopmental disorder (Invitae). This variant is not present in population databases (gnomAD no frequency). This sequence change replaces glutamic acid, which is acidic and polar, with aspartic acid, which is acidic and polar, at codon 59 of the SLC12A2 protein (p.Glu59Asp). ClinVar contains an entry for this variant (Variation ID: 2047051). In summary, the available evidence is currently insufficient to determine the role of this variant in disease. Therefore, it has been classified as a Variant of Uncertain Significance. Advanced modeling of protein sequence and biophysical properties (such as structural, functional, and spatial information, amino acid conservation, physicochemical variation, residue mobility, and thermodynamic stability) performed at Invitae indicates that this missense variant is not expected to disrupt SLC12A2 protein function.